The following is an entry in ClinVar:

ClinVar aggregate classification (germline): Likely benign (1 of 4 stars; one submission).

Conditions:
Malignant hyperthermia, susceptibility to, 1 (MHS1). Also called: Anesthesia related hyperthermia; Malignant hyperpyrexia; Fulminating hyperpyrexia; Pharmacogenic myopathy; Malignant hyperthermia suceptibility 1; RYR1-Related Malignant Hyperthermia Susceptibility. Identifiers: Orphanet 423, MedGen C2930980, MONDO:0007783, OMIM 145600.

gnomAD v4.1: 3 of 1,614,160 alleles (0.00019%); highest among the groups gnomAD compares: Non-Finnish European, 0.00025%; no homozygotes.

Submission:

All of Us Research Program, National Institutes of Health
Classification: Likely benign for Malignant hyperthermia, susceptibility to, 1. Last evaluated: 2024-03-14. Review status: criteria provided, single submitter. Criteria: ACMG Guidelines, 2015. Collection method: clinical testing. Allele origin: germline. Inheritance: Autosomal dominant inheritance. Observed: 1 variant allele, 1 heterozygote.
Comment: This study involves interpretation of variants in research participants for the purpose of population health screening. Participant phenotype was not available at the time of variant classification. Additional details can be found in publication PMID: 35346344, PMCID: PMC8962531

NM_000540.3(RYR1):c.9996C>T (p.Ala3332=)

Gene: RYR1 (ryanodine receptor 1; plus strand). Cytogenetic location: 19q13.2.
Variant type: single nucleotide variant.
Coding change: c.9996C>T on transcript NM_000540.3 (MANE Select); coding-DNA position 9996, C replaced by T.
Protein change: p.Ala3332=; no amino-acid change (alanine 3332 retained).
Molecular consequence: synonymous variant.
Genome position (GRCh38, 1-based): chr19:38,517,669, C>T. VCF-style: chr19-38517669-C-T. GRCh37 (hg19) VCF-style: chr19-39008309-C-T.
Other names: c.9996C>T, p.Ala3332= (NM_001042723.2).
Identifiers: ClinVar variation 3385519 (VCV003385519.1).